The following is an entry in ClinVar:

NM_001382430.1(AKT1):c.1097T>C (p.Ile366Thr)

Gene: AKT1 (AKT serine/threonine kinase 1; minus strand). Cytogenetic location: 14q32.33.
Variant type: single nucleotide variant.
Coding change: c.1097T>C on transcript NM_001382430.1 (MANE Select); coding-DNA position 1097, T replaced by C.
Protein change: p.Ile366Thr; replaces isoleucine 366 with threonine.
Molecular consequence: missense variant.
Genome position (GRCh38, 1-based): chr14:104,772,953, A>G on the plus strand (T>C on the coding strand, the complement: AKT1 is on the minus strand). VCF-style: chr14-104772953-A-G. GRCh37 (hg19) VCF-style: chr14-105239290-A-G.
Other names: c.1097T>C, p.Ile366Thr (NM_001014431.2, NM_001014432.2, NM_001382431.1 and 3 more transcripts); short protein forms I366T.
Identifiers: ClinVar variation 1005578 (VCV001005578.8), dbSNP rs1892477463, ClinGen allele CA391216822.

ClinVar aggregate classification (germline): Uncertain significance (1 of 4 stars; one submission).

Conditions:
Cowden syndrome 6 (CWS6). Identifiers: Orphanet 201, MedGen C3554519, MONDO:0014048, OMIM 615109.

Submission:

Labcorp Genetics (formerly Invitae), Labcorp
Classification: Uncertain significance for Cowden syndrome 6. Last evaluated: 2020-10-21. Review status: criteria provided, single submitter. Criteria: Invitae Variant Classification Sherloc (09022015). Collection method: clinical testing. Allele origin: germline.
Comment: In summary, the available evidence is currently insufficient to determine the role of this variant in disease. Therefore, it has been classified as a Variant of Uncertain Significance. Algorithms developed to predict the effect of missense changes on protein structure and function are either unavailable or do not agree on the potential impact of this missense change (SIFT: "Deleterious"; PolyPhen-2: "Possibly Damaging"; Align-GVGD: "Class C0"). This variant has not been reported in the literature in individuals with AKT1-related conditions. This variant is not present in population databases (ExAC no frequency). This sequence change replaces isoleucine with threonine at codon 366 of the AKT1 protein (p.Ile366Thr). The isoleucine residue is moderately conserved and there is a moderate physicochemical difference between isoleucine and threonine.